The following is an entry in ClinVar:

NM_020937.4(FANCM):c.5860A>G (p.Arg1954Gly)

Gene: FANCM (FA complementation group M; plus strand). Cytogenetic location: 14q21.2.
Variant type: single nucleotide variant.
Coding change: c.5860A>G on transcript NM_020937.4 (MANE Select); coding-DNA position 5860, A replaced by G.
Protein change: p.Arg1954Gly; replaces arginine 1954 with glycine.
Molecular consequence: missense variant.
Genome position (GRCh38, 1-based): chr14:45,198,787, A>G. VCF-style: chr14-45198787-A-G. GRCh37 (hg19) VCF-style: chr14-45667990-A-G.
Other names: c.5782A>G, p.Arg1928Gly (NM_001308133.2); short protein forms R1954G, R1928G.
Identifiers: ClinVar variation 4022648 (VCV004022648.1).

ClinVar aggregate classification (germline): Uncertain significance (1 of 4 stars; one submission).

Conditions:
Inborn genetic diseases. Identifiers: MedGen C0950123, MeSH D030342.

Submission:

Ambry Genetics
Classification: Uncertain significance for Inborn genetic diseases. Last evaluated: 2025-04-04. Review status: criteria provided, single submitter. Criteria: Ambry Variant Classification Scheme 2023. Collection method: clinical testing. Allele origin: germline.
Comment: The p.R1954G variant (also known as c.5860A>G), located in coding exon 22 of the FANCM gene, results from an A to G substitution at nucleotide position 5860. The arginine at codon 1954 is replaced by glycine, an amino acid with dissimilar properties. This amino acid position is conserved. In addition, the in silico prediction for this alteration is inconclusive. Based on the available evidence, the clinical significance of this variant remains unclear.